The following is an entry in ClinVar:

NM_020988.3(GNAO1):c.904G>A (p.Ala302Thr)

Gene: GNAO1 (G protein subunit alpha o1; plus strand). Cytogenetic location: 16q13.
Variant type: single nucleotide variant.
Coding change: c.904G>A on transcript NM_020988.3 (MANE Select); coding-DNA position 904, G replaced by A.
Protein change: p.Ala302Thr; replaces alanine 302 with threonine.
Molecular consequence: missense variant.
Genome position (GRCh38, 1-based): chr16:56,354,892, G>A. VCF-style: chr16-56354892-G-A. GRCh37 (hg19) VCF-style: chr16-56388804-G-A.
Other names: short protein forms A302T.
Identifiers: ClinVar variation 1162311 (VCV001162311.3), dbSNP rs2143704776, ClinGen allele CA395955007.

ClinVar aggregate classification (germline): Conflicting classifications of pathogenicity. Review status: criteria provided, conflicting classifications (1 of 4 stars). 2 submissions from 2 submitters: Uncertain significance (1); Likely benign (1). Last evaluated 2023-11-21.

Conditions:
Seizure. Also called: Seizures. Identifiers: MedGen C0036572, HP:0001250.

Submissions (2):

Revvity Omics, Revvity
Classification: Uncertain significance. Last evaluated: 2023-11-21. Review status: criteria provided, single submitter. Criteria: ACMG Guidelines, 2015. Collection method: clinical testing. Allele origin: germline.

Cytogénomique, Hospices Civils de Lyon
Classification: Likely benign for Seizure. Last evaluated: 2021-06-07. Review status: criteria provided, single submitter. Criteria: ACMG Guidelines, 2015. Collection method: clinical testing. Allele origin: maternal. Inheritance: Autosomal dominant inheritance. Affected: yes. Observed: 1 variant allele, 1 heterozygote.